The following is an entry in ClinVar:

ClinVar aggregate classification (germline): Pathogenic (1 of 4 stars; one submission).

Submission:

GeneDx
Classification: Pathogenic. Last evaluated: 2017-06-15. Review status: criteria provided, single submitter. Criteria: GeneDx Variant Classification (06012015). Collection method: clinical testing. Allele origin: germline. Affected: yes.
Comment: The c.339_340delCCinsG variant in the COL11A2 gene has not been reported previously as a pathogenic variant nor as a benign variant, to our knowledge. The c.339_340delCCinsG variant causes a frameshift starting with codon Leucine 114, changes this amino acid to a Tryptophan residue, and creates a premature Stop codon at position 31 of the new reading frame, denoted p.Leu114TrpfsX31. This variant is predicted to cause loss of normal protein function either through protein truncation or nonsense-mediated mRNA decay. The c.339_340delCCinsG variant is not observed in large population cohorts (Lek et al., 2016; 1000 Genomes Consortium et al., 2015; Exome Variant Server). We interpret c.339_340delCCinsG as a pathogenic variant.

NM_080680.3(COL11A2):c.339_340delinsG (p.Leu114fs)

Gene: COL11A2 (collagen type XI alpha 2 chain; minus strand). Cytogenetic location: 6p21.32.
Variant type: Indel.
Coding change: c.339_340delinsG on transcript NM_080680.3 (MANE Select); coding-DNA positions 339 to 340, CC replaced by G.
Protein change: p.Leu114fs; shifts the reading frame from leucine 114.
Molecular consequence: frameshift variant.
Genome position (GRCh38, 1-based): chr6:33,189,081-33,189,082, GG replaced by C on the plus strand (CC replaced by G on the coding strand, the reverse complement: COL11A2 is on the minus strand). VCF-style: chr6-33189081-GG-C. GRCh37 (hg19) VCF-style: chr6-33156858-GG-C.
Other names: c.339_340delinsG, p.Leu114fs (NM_001163771.2, NM_080679.3, NM_080681.3); c.339_340delCCinsG (NM_080680.2); short protein forms L114fs.
Identifiers: ClinVar variation 432950 (VCV000432950.1), dbSNP rs1554225999, ClinGen allele CA645372818.
Genomic context (GRCh38, chr6:33,189,081, plus strand): 5'-GAGGTTGAGGCCGCCCAGTCTGGTCTTCATACAGGAAGCGGACAGGTCGGCCCAGCTCCA[GG>C]CCCAGCTGTCGGACACCCTGGGCACTGTAGAGAGTCAGGAGGGGAGCTTGGAGACCAGGG-3'